The following is an entry in ClinVar:

NM_172107.4(KCNQ2):c.2543C>T (p.Pro848Leu)

Gene: KCNQ2 (potassium voltage-gated channel subfamily Q member 2; minus strand). Cytogenetic location: 20q13.33.
Variant type: single nucleotide variant.
Coding change: c.2543C>T on transcript NM_172107.4 (MANE Select); coding-DNA position 2543, C replaced by T.
Protein change: p.Pro848Leu; replaces proline 848 with leucine.
Molecular consequence: missense variant.
Genome position (GRCh38, 1-based): chr20:63,406,720, G>A on the plus strand (C>T on the coding strand, the complement: KCNQ2 is on the minus strand). VCF-style: chr20-63406720-G-A. GRCh37 (hg19) VCF-style: chr20-62038073-G-A.
Other names: p.P848L:CCG>CTG; c.2597C>T, p.Pro866Leu (NM_001382235.1); c.2486C>T, p.Pro829Leu (NM_001439003.1); c.2456C>T, p.Pro819Leu (NM_001439004.1); c.2459C>T, p.Pro820Leu (NM_004518.6); c.2489C>T, p.Pro830Leu (NM_172106.3); c.2450C>T, p.Pro817Leu (NM_172108.5); short protein forms P848L, P820L, P817L, P830L, P866L, P819L, P829L.
Identifiers: ClinVar variation 205935 (VCV000205935.16), dbSNP rs377633507, ClinGen allele CA315533.

ClinVar aggregate classification (germline): Uncertain significance. Review status: criteria provided, multiple submitters, no conflicts (2 of 4 stars). 3 submissions from 3 submitters: Uncertain significance (3). Last evaluated 2026-06-11.

Conditions:
Early-infantile DEE. Also called: Early infantile epileptic encephalopathy; Ohtahara syndrome; Early infantile epileptic encephalopathy with suppression bursts. Identifiers: Orphanet 1934, MedGen C0393706, MONDO:0800491.
Inborn genetic diseases. Identifiers: MedGen C0950123, MeSH D030342.

Allele frequency attached by ClinVar (database versions not stated): gnomAD 0.00002; ESP Exome Variant Server 0.00008; TOPMed below 0.00001; ExAC 0.00001; gnomAD exomes 0.00002.
gnomAD v4.1: 27 of 1,606,440 alleles (0.0017%); highest among the groups gnomAD compares: Middle Eastern, 0.016%; no homozygotes.

Submissions (3):

Ambry Genetics
Classification: Uncertain significance for Inborn genetic diseases. Last evaluated: 2026-06-11. Review status: criteria provided, single submitter. Criteria: Ambry Variant Classification Scheme 2023. Collection method: clinical testing. Allele origin: germline.
Comment: The c.2543C>T (p.P848L) alteration is located in exon 17 (coding exon 17) of the KCNQ2 gene. This alteration results from a C to T substitution at nucleotide position 2543, causing the proline (P) at amino acid position 848 to be replaced by a leucine (L). Based on data from gnomAD, the T allele has an overall frequency of 0.003% (7/264124) total alleles studied. The highest observed frequency was 0.022% (5/22576) of European (Finnish) alleles. Based on insufficient or conflicting evidence, the clinical significance of this alteration remains unclear.

GeneDx
Classification: Uncertain significance. Last evaluated: 2026-01-20. Review status: criteria provided, single submitter. Criteria: GeneDx Variant Classification Process June 2021. Collection method: clinical testing. Allele origin: germline. Affected: yes.
Comment: In silico analysis supports that this missense variant has a deleterious effect on protein structure/function; Has not been previously published as pathogenic or benign to our knowledge; This substitution is predicted to be within the C-terminal cytoplasmic domain

Labcorp Genetics (formerly Invitae), Labcorp
Classification: Uncertain significance for Early-infantile DEE. Last evaluated: 2022-12-03. Review status: criteria provided, single submitter. Criteria: Invitae Variant Classification Sherloc (09022015). Collection method: clinical testing. Allele origin: germline.
Comment: Algorithms developed to predict the effect of missense changes on protein structure and function are either unavailable or do not agree on the potential impact of this missense change (SIFT: "Tolerated"; PolyPhen-2: "Probably Damaging"; Align-GVGD: "Class C0"). This sequence change replaces proline, which is neutral and non-polar, with leucine, which is neutral and non-polar, at codon 848 of the KCNQ2 protein (p.Pro848Leu). This variant is present in population databases (rs377633507, gnomAD 0.02%). This variant has not been reported in the literature in individuals affected with KCNQ2-related conditions. ClinVar contains an entry for this variant (Variation ID: 205935). In summary, the available evidence is currently insufficient to determine the role of this variant in disease. Therefore, it has been classified as a Variant of Uncertain Significance.